The following is an entry in ClinVar:

ClinVar aggregate classification (germline): Uncertain significance (1 of 4 stars; one submission).

Allele frequency attached by ClinVar (database versions not stated): ExAC 0.00001.

Submission:

Ambry Genetics
Classification: Uncertain significance. Last evaluated: 2022-10-11. Review status: criteria provided, single submitter. Criteria: Ambry Variant Classification Scheme 2023. Collection method: clinical testing. Allele origin: germline.
Comment: The p.E30* variant (also known as c.88G>T), located in coding exon 2 of the RECQL gene, results from a G to T substitution at nucleotide position 88. This changes the amino acid from a glutamic acid to a stop codon within coding exon 2. This alteration is expected to result in loss of function by premature protein truncation or nonsense-mediated mRNA decay. The evidence for this gene-disease relationship is limited; therefore, the clinical significance of this alteration is unclear.

NM_002907.4(RECQL):c.88G>T (p.Glu30Ter)

Gene: RECQL (RecQ like helicase; minus strand). Cytogenetic location: 12p12.1.
Variant type: single nucleotide variant.
Coding change: c.88G>T on transcript NM_002907.4 (MANE Select); coding-DNA position 88, G replaced by T.
Protein change: p.Glu30Ter; replaces glutamic acid 30 with a stop codon.
Molecular consequence: nonsense.
Genome position (GRCh38, 1-based): chr12:21,491,645, C>A on the plus strand (G>T on the coding strand, the complement: RECQL is on the minus strand). VCF-style: chr12-21491645-C-A. GRCh37 (hg19) VCF-style: chr12-21644579-C-A.
Other names: c.88G>T, p.Glu30Ter (NM_032941.3); short protein forms E30*.
Identifiers: ClinVar variation 1765053 (VCV001765053.2), dbSNP rs778237587, ClinGen allele CA6479206.